The following is an entry in ClinVar:

NM_001375883.1(GPR161):c.1445A>C (p.Glu482Ala)

Gene: GPR161 (G protein-coupled receptor 161; minus strand). Cytogenetic location: 1q24.2.
Variant type: single nucleotide variant.
Coding change: c.1445A>C on transcript NM_001375883.1 (MANE Select); coding-DNA position 1445, A replaced by C.
Protein change: p.Glu482Ala; replaces glutamic acid 482 with alanine.
Molecular consequence: missense variant.
Genome position (GRCh38, 1-based): chr1:168,085,676, T>G on the plus strand (A>C on the coding strand, the complement: GPR161 is on the minus strand). VCF-style: chr1-168085676-T-G. GRCh37 (hg19) VCF-style: chr1-168054914-T-G.
Other names: c.1505A>C, p.Glu502Ala (NM_001267609.1); c.1445A>C, p.Glu482Ala (NM_001267610.2, NM_001349632.1, NM_001349633.1 and 5 more transcripts); c.1496A>C, p.Glu499Ala (NM_001267611.1); c.1049A>C, p.Glu350Ala (NM_001267612.2, NM_001349635.1); c.1211A>C, p.Glu404Ala (NM_001267613.1); c.1103A>C, p.Glu368Ala (NM_001267614.1); short protein forms E350A, E368A, E404A, E482A, E499A, E502A.
Identifiers: ClinVar variation 1711120 (VCV001711120.1), dbSNP rs373399666, ClinGen allele CA1229433.

ClinVar aggregate classification (germline): Uncertain significance (1 of 4 stars; one submission).

Conditions:
Medulloblastoma (MDB). Also called: Medulloblastoma, somatic; MEDULLOBLASTOMA PREDISPOSITION SYNDROME. Identifiers: Orphanet 616, MedGen C0025149, MeSH D008527, MONDO:0007959, OMIM 155255, HP:0002885.

Allele frequency attached by ClinVar (database versions not stated): ExAC 0.00002; TOPMed 0.00003; gnomAD 0.00004; gnomAD exomes 0.00004; ESP Exome Variant Server 0.00008.
gnomAD v4.1: 77 of 1,614,060 alleles (0.0048%); highest among the groups gnomAD compares: Non-Finnish European, 0.0055%; no homozygotes.

Submission:

St. Jude Molecular Pathology, St. Jude Children's Research Hospital
Classification: Uncertain significance for Medulloblastoma. Last evaluated: 2022-06-29. Review status: criteria provided, single submitter. Criteria: St. Jude Assertion Criteria 2020. Collection method: clinical testing. Allele origin: germline.
Comment: The GPR161 c.1445A>C (p.Glu482Ala) missense change has a maximum subpopulation frequency of 0.0062% in gnomAD v2.1.1. The in silico tool REVEL predicts a benign effect on protein function, but to our knowledge this prediction has not been confirmed by functional studies. To our knowledge, this variant has not been reported in individuals with a personal or family history of medulloblastoma. In summary, the evidence currently available is insufficient to determine the clinical significance of this variant. It has therefore been classified as of uncertain significance.